The following is an entry in ClinVar:

NM_153717.3(EVC):c.2654A>G (p.Asp885Gly)

Gene: EVC (EvC ciliary complex subunit 1; plus strand). Cytogenetic location: 4p16.2.
Variant type: single nucleotide variant.
Coding change: c.2654A>G on transcript NM_153717.3 (MANE Select); coding-DNA position 2654, A replaced by G.
Protein change: p.Asp885Gly; replaces aspartic acid 885 with glycine.
Molecular consequence: missense variant.
Genome position (GRCh38, 1-based): chr4:5,808,293, A>G. VCF-style: chr4-5808293-A-G. GRCh37 (hg19) VCF-style: chr4-5810020-A-G.
Other names: c.2654A>G, p.Asp885Gly (NM_001306090.2); short protein forms D885G.
Identifiers: ClinVar variation 907826 (VCV000907826.8), dbSNP rs540660500, ClinGen allele CA2836637.

ClinVar aggregate classification (germline): Uncertain significance. Review status: criteria provided, multiple submitters, no conflicts (2 of 4 stars). 3 submissions from 3 submitters: Uncertain significance (3). Last evaluated 2024-12-04.

Conditions:
Inborn genetic diseases. Identifiers: MedGen C0950123, MeSH D030342.
Ellis-van Creveld syndrome (EVC). Also called: EVC-Related Ellis-van Creveld Syndrome; EVC2-Related Ellis-van Creveld Syndrome; MESOECTODERMAL DYSPLASIA; Chondroectodermal dysplasia. Identifiers: Orphanet 289, MedGen C0013903, MONDO:0009162, OMIM 225500.
Curry-Hall syndrome (WAD). Also called: WEYERS ACRODENTAL DYSOSTOSIS. Identifiers: Orphanet 952, MedGen C0457013, MONDO:0008673, OMIM 193530.

Allele frequency attached by ClinVar (database versions not stated): gnomAD exomes below 0.00001 and 0.00001; ExAC 0.00002; gnomAD 0.00007; TOPMed 0.00009; 1000 Genomes Project 30x 0.00016; 1000 Genomes Project 0.00020.
gnomAD v4.1: 15 of 1,614,124 alleles (0.00093%); highest among the groups gnomAD compares: African/African-American, 0.017%; no homozygotes.

Submissions (3):

Ambry Genetics
Classification: Uncertain significance for Inborn genetic diseases. Last evaluated: 2024-12-04. Review status: criteria provided, single submitter. Criteria: Ambry Variant Classification Scheme 2023. Collection method: clinical testing. Allele origin: germline.

Labcorp Genetics (formerly Invitae), Labcorp
Classification: Uncertain significance for Curry-Hall syndrome; Ellis-van Creveld syndrome. Last evaluated: 2022-07-05. Review status: criteria provided, single submitter. Criteria: Invitae Variant Classification Sherloc (09022015). Collection method: clinical testing. Allele origin: germline.
Comment: This sequence change replaces aspartic acid, which is acidic and polar, with glycine, which is neutral and non-polar, at codon 885 of the EVC protein (p.Asp885Gly). This variant is present in population databases (rs540660500, gnomAD 0.01%). This variant has not been reported in the literature in individuals affected with EVC-related conditions. ClinVar contains an entry for this variant (Variation ID: 907826). Algorithms developed to predict the effect of missense changes on protein structure and function are either unavailable or do not agree on the potential impact of this missense change (SIFT: "Tolerated"; PolyPhen-2: "Possibly Damaging"; Align-GVGD: "Class C0"). In summary, the available evidence is currently insufficient to determine the role of this variant in disease. Therefore, it has been classified as a Variant of Uncertain Significance.

Illumina Laboratory Services, Illumina
Classification: Uncertain significance for Ellis-van Creveld syndrome. Last evaluated: 2018-01-12. Review status: criteria provided, single submitter. Criteria: ICSL Variant Classification Criteria 13 December 2019. Collection method: clinical testing. Allele origin: germline.